The following is an entry in ClinVar:

ClinVar aggregate classification (germline): Uncertain significance. Review status: criteria provided, single submitter (1 of 4 stars). 2 submissions from 2 submitters: Uncertain significance (1). 1 of the submissions does not count toward it. Last evaluated 2023-02-03.

Conditions:
Ornithine carbamoyltransferase deficiency (OTCD). Also called: ORNITHINE TRANSCARBAMYLASE DEFICIENCY, HYPERAMMONEMIA DUE TO; ORNITHINE TRANSCARBAMYLASE DEFICIENCY; OTC DEFICIENCY; Ornithine Carbamoyltransferase Deficiency Disease. Identifiers: Orphanet 664, MedGen C0268542, MONDO:0010703, OMIM 311250.

Submissions (2):

Revvity Omics, Revvity
Classification: Uncertain significance for Ornithine carbamoyltransferase deficiency. Last evaluated: 2023-02-03. Review status: criteria provided, single submitter. Criteria: ACMG Guidelines, 2015. Collection method: clinical testing. Allele origin: germline.

GenMed Metabolism Lab
Classification: Pathogenic. Review status: no assertion criteria provided. Collection method: not provided. Allele origin: unknown. Not counted in ClinVar's aggregate classification.
ClinVar note: Converted during submission from pathogenic to Pathogenic.

NM_000531.6(OTC):c.452T>G (p.Leu151Arg)

Gene: OTC (ornithine transcarbamylase; plus strand). Cytogenetic location: Xp11.4.
Variant type: single nucleotide variant.
Coding change: c.452T>G on transcript NM_000531.6 (MANE Select); coding-DNA position 452, T replaced by G.
Protein change: p.Leu151Arg; replaces leucine 151 with arginine.
Molecular consequence: missense variant.
Genome position (GRCh38, 1-based): chrX:38,401,340, T>G. VCF-style: chrX-38401340-T-G. GRCh37 (hg19) VCF-style: chrX-38260593-T-G.
Other names: short protein forms L151R.
Identifiers: ClinVar variation 97206 (VCV000097206.4), dbSNP rs72556265, ClinGen allele CA224615.